The following is an entry in ClinVar:

ClinVar aggregate classification (germline): Uncertain significance. Review status: criteria provided, multiple submitters, no conflicts (2 of 4 stars). 2 submissions from 2 submitters: Uncertain significance (2). Last evaluated 2025-01-31.

Conditions:
MYO5B-related disorder. Also called: MYO5B-related condition.

Allele frequency attached by ClinVar (database versions not stated): TOPMed below 0.00001.

Submissions (2):

PreventionGenetics, part of Exact Sciences
Classification: Uncertain significance for MYO5B-related condition. Last evaluated: 2025-01-31. Review status: criteria provided, single submitter. Criteria: ACMG Guidelines, 2015. Collection method: clinical testing. Allele origin: germline.
Comment: The MYO5B c.4559A>G variant is predicted to result in the amino acid substitution p.Lys1520Arg. To our knowledge, this variant has not been reported in the literature or in a large population database (gnomAD), indicating this variant is rare. At this time, the clinical significance of this variant is uncertain due to the absence of conclusive functional and genetic evidence.

Labcorp Genetics (formerly Invitae), Labcorp
Classification: Uncertain significance. Last evaluated: 2022-07-30. Review status: criteria provided, single submitter. Criteria: Invitae Variant Classification Sherloc (09022015). Collection method: clinical testing. Allele origin: germline.
Comment: This sequence change replaces lysine, which is basic and polar, with arginine, which is basic and polar, at codon 1520 of the MYO5B protein (p.Lys1520Arg). This variant is not present in population databases (gnomAD no frequency). This variant has not been reported in the literature in individuals affected with MYO5B-related conditions. Algorithms developed to predict the effect of missense changes on protein structure and function are either unavailable or do not agree on the potential impact of this missense change (SIFT: "Deleterious"; PolyPhen-2: "Probably Damaging"; Align-GVGD: "Class C0"). In summary, the available evidence is currently insufficient to determine the role of this variant in disease. Therefore, it has been classified as a Variant of Uncertain Significance.

NM_001080467.3(MYO5B):c.4559A>G (p.Lys1520Arg)

Genes: MYO5B (myosin VB; minus strand), SNHG22 (small nucleolar RNA host gene 22; plus strand). Cytogenetic location: 18q21.1.
Variant type: single nucleotide variant.
Coding change: c.4559A>G on transcript NM_001080467.3 (MANE Select); coding-DNA position 4559, A replaced by G.
Protein change: p.Lys1520Arg; replaces lysine 1520 with arginine.
Molecular consequence: missense variant.
Genome position (GRCh38, 1-based): chr18:49,843,293, T>C on the plus strand (A>G on the coding strand, the complement: MYO5B is on the minus strand). VCF-style: chr18-49843293-T-C. GRCh37 (hg19) VCF-style: chr18-47369663-T-C.
Other names: c.4559A>G (NM_001080467.2); short protein forms K1520R.
Identifiers: ClinVar variation 1714417 (VCV001714417.6), dbSNP rs917623992, ClinGen allele CA299941396.